The following is an entry in ClinVar:

ClinVar aggregate classification (germline): Uncertain significance (1 of 4 stars; one submission).

Conditions:
Facioscapulohumeral muscular dystrophy 2 (FSHD2). Also called: FACIOSCAPULOHUMERAL MUSCULAR DYSTROPHY 2, DIGENIC; FSHD2, DIGENIC; MUSCULAR DYSTROPHY, FACIOSCAPULOHUMERAL, TYPE 1B. Identifiers: Orphanet 269, MedGen C1834671, MONDO:0008031, OMIM 158901.

Allele frequency attached by ClinVar (database versions not stated): gnomAD exomes below 0.00001; gnomAD 0.00002; TOPMed 0.00002.
gnomAD v4.1: 5 of 1,571,202 alleles (0.00032%); highest among the groups gnomAD compares: African/African-American, 0.007%; no homozygotes.

Submission:

Labcorp Genetics (formerly Invitae), Labcorp
Classification: Uncertain significance for Facioscapulohumeral muscular dystrophy 2. Last evaluated: 2024-02-17. Review status: criteria provided, single submitter. Criteria: Invitae Variant Classification Sherloc (09022015). Collection method: clinical testing. Allele origin: germline.
Comment: This sequence change replaces aspartic acid, which is acidic and polar, with glycine, which is neutral and non-polar, at codon 1526 of the SMCHD1 protein (p.Asp1526Gly). This variant is present in population databases (rs200062413, gnomAD 0.01%). This variant has not been reported in the literature in individuals affected with SMCHD1-related conditions. Advanced modeling of protein sequence and biophysical properties (such as structural, functional, and spatial information, amino acid conservation, physicochemical variation, residue mobility, and thermodynamic stability) performed at Invitae indicates that this missense variant is not expected to disrupt SMCHD1 protein function with a negative predictive value of 80%. In summary, the available evidence is currently insufficient to determine the role of this variant in disease. Therefore, it has been classified as a Variant of Uncertain Significance.

NM_015295.3(SMCHD1):c.4577A>G (p.Asp1526Gly)

Gene: SMCHD1 (structural maintenance of chromosomes flexible hinge domain containing 1; plus strand). Cytogenetic location: 18p11.32.
Variant type: single nucleotide variant.
Coding change: c.4577A>G on transcript NM_015295.3 (MANE Select); coding-DNA position 4577, A replaced by G.
Protein change: p.Asp1526Gly; replaces aspartic acid 1526 with glycine.
Molecular consequence: missense variant.
Genome position (GRCh38, 1-based): chr18:2,763,647, A>G. VCF-style: chr18-2763647-A-G. GRCh37 (hg19) VCF-style: chr18-2763645-A-G.
Other names: short protein forms D1526G.
Identifiers: ClinVar variation 2716248 (VCV002716248.3), dbSNP rs200062413, ClinGen allele CA295482082.